The following is an entry in ClinVar:

NM_000540.3(RYR1):c.14009T>C (p.Val4670Ala)

Gene: RYR1 (ryanodine receptor 1; plus strand). Cytogenetic location: 19q13.2.
Variant type: single nucleotide variant.
Coding change: c.14009T>C on transcript NM_000540.3 (MANE Select); coding-DNA position 14009, T replaced by C.
Protein change: p.Val4670Ala; replaces valine 4670 with alanine.
Molecular consequence: missense variant.
Genome position (GRCh38, 1-based): chr19:38,573,187, T>C. VCF-style: chr19-38573187-T-C. GRCh37 (hg19) VCF-style: chr19-39063827-T-C.
Other names: c.13994T>C, p.Val4665Ala (NM_001042723.2); short protein forms V4665A, V4670A.
Identifiers: ClinVar variation 3385613 (VCV003385613.1).

ClinVar aggregate classification (germline): Uncertain significance (1 of 4 stars; one submission).

Conditions:
Malignant hyperthermia, susceptibility to, 1 (MHS1). Also called: Anesthesia related hyperthermia; Malignant hyperpyrexia; Fulminating hyperpyrexia; Pharmacogenic myopathy; Malignant hyperthermia suceptibility 1; RYR1-Related Malignant Hyperthermia Susceptibility. Identifiers: Orphanet 423, MedGen C2930980, MONDO:0007783, OMIM 145600.

Submission:

All of Us Research Program, National Institutes of Health
Classification: Uncertain significance for Malignant hyperthermia, susceptibility to, 1. Last evaluated: 2024-07-10. Review status: criteria provided, single submitter. Criteria: ACMG Guidelines, 2015. Collection method: clinical testing. Allele origin: germline. Inheritance: Autosomal dominant inheritance. Observed: 1 variant allele, 1 heterozygote.
Comment: This missense variant replaces valine with alanine at codon 4670 of the RYR1 protein. Computational prediction suggests that this variant may have deleterious impact on protein structure and function (internally defined REVEL score threshold >= 0.7, PMID: 27666373). To our knowledge, functional studies have not been reported for this variant. This variant has not been reported in individuals affected with RYR1-related disorders in the literature. This variant has not been identified in the general population by the Genome Aggregation Database (gnomAD). The available evidence is insufficient to determine the role of this variant in disease conclusively. Therefore, this variant is classified as a Variant of Uncertain Significance.

This study involves interpretation of variants in research participants for the purpose of population health screening. Participant phenotype was not available at the time of variant classification. Additional details can be found in publication PMID: 35346344, PMCID: PMC8962531